The following is an entry in ClinVar:

ClinVar aggregate classification (germline): Uncertain significance. Review status: criteria provided, single submitter (1 of 4 stars). 4 submissions from 4 submitters: Uncertain significance (1). 3 of the submissions do not count toward it.

Conditions:
NDUFA11-related disorder. Also called: NDUFA11-related condition.

Allele frequency attached by ClinVar (database versions not stated): 1000 Genomes Project 0.00200; 1000 Genomes Project 30x 0.00219; gnomAD 0.00176 and 0.00191.
gnomAD v4.1: 632 of 1,535,974 alleles (0.041%); highest among the groups gnomAD compares: African/African-American, 0.66%; 2 homozygotes.

Submissions (4):

Breakthrough Genomics
Classification: Uncertain significance. Review status: criteria provided, single submitter. Criteria: ACMG Guidelines, 2015. Collection method: not provided. Allele origin: germline. Inheritance: Autosomal recessive inheritance. Affected: yes.

PreventionGenetics, part of Exact Sciences
Classification: Likely benign for NDUFA11-related condition. Last evaluated: 2023-07-16. Review status: no assertion criteria provided. Collection method: clinical testing. Allele origin: germline. Not counted in ClinVar's aggregate classification.
Comment: This variant is classified as likely benign based on ACMG/AMP sequence variant interpretation guidelines (Richards et al. 2015 PMID: 25741868, with internal and published modifications).

Clinical Genetics DNA and cytogenetics Diagnostics Lab, Erasmus MC, Erasmus Medical Center
Classification: Uncertain significance. Review status: no assertion criteria provided. Collection method: clinical testing. Allele origin: germline. Affected: yes. Study: VKGL Data-share Consensus. Not counted in ClinVar's aggregate classification.

Diagnostic Laboratory, Department of Genetics, University Medical Center Groningen
Classification: Uncertain significance. Review status: no assertion criteria provided. Collection method: clinical testing. Allele origin: germline. Affected: yes. Study: VKGL Data-share Consensus. Not counted in ClinVar's aggregate classification.

NM_001193375.3(NDUFA11):c.460G>T (p.Glu154Ter)

Gene: NDUFA11 (NADH:ubiquinone oxidoreductase subunit A11; minus strand). Cytogenetic location: 19p13.3.
Variant type: single nucleotide variant.
Coding change: c.460G>T on transcript NM_001193375.3; coding-DNA position 460, G replaced by T.
Protein change: p.Glu154Ter; replaces glutamic acid 154 with a stop codon.
Molecular consequence: nonsense.
Genome position (GRCh38, 1-based): chr19:5,893,144, C>A on the plus strand (G>T on the coding strand, the complement: NDUFA11 is on the minus strand). VCF-style: chr19-5893144-C-A. GRCh37 (hg19) VCF-style: chr19-5893155-C-A.
Other names: short protein forms E154*.
Identifiers: ClinVar variation 1299258 (VCV001299258.6), dbSNP rs73920081, ClinGen allele CA9118855.